The following is an entry in ClinVar:

ClinVar aggregate classification (germline): Uncertain significance (1 of 4 stars; one submission).

Submission:

Women's Health and Genetics/Laboratory Corporation of America, LabCorp
Classification: Uncertain significance. Last evaluated: 2025-09-11. Review status: criteria provided, single submitter. Criteria: LabCorp Variant Classification Summary - May 2015. Collection method: clinical testing. Allele origin: germline.
Comment: Variant summary: The variant involves the deletion of exon 29 in the DMD gene. This Copy Number Variant (CNV) is predicted to result in an in-frame deletion within this gene. A presumed nomenclature of c.(3921+1_3922-1)_(4071+1_4072-1)del has been designated for the purposes of this classification. The variant was absent in 16120 control chromosomes (gnomAD). The deletion of exon 29 has been observed in at least two individuals affected with Duchenne/Becker Muscular Dystrophy (Zeng_2008, Sagi-Dan_2024). These data indicate that the variant may be associated with disease. The following publications have been ascertained in the context of this evaluation (PMID: 39565433, 17854090, 23601510). No submitters have cited clinical-significance assessments for this variant to ClinVar. Based on the evidence outlined above, the variant was classified as VUS-possibly pathogenic.

Literature cited by the submitters: PubMed 23601510; PubMed 29581631; PubMed 39565433; PubMed 17854090.

NC_000023.10:g.(32430031_32456357)_(32456508_32459296)del

Gene: DMD (dystrophin; minus strand). Cytogenetic location: Xp21.1.
Variant type: Deletion.
Identifiers: ClinVar variation 4535581 (VCV004535581.1).